The following is an entry in ClinVar:

NM_005097.4(LGI1):c.781A>G (p.Ile261Val)

Gene: LGI1 (leucine rich glioma inactivated 1; plus strand). Cytogenetic location: 10q23.33.
Variant type: single nucleotide variant.
Coding change: c.781A>G on transcript NM_005097.4 (MANE Select); coding-DNA position 781, A replaced by G.
Protein change: p.Ile261Val; replaces isoleucine 261 with valine.
Molecular consequence: missense variant. On other transcripts: non-coding transcript variant (1).
Genome position (GRCh38, 1-based): chr10:93,793,293, A>G. VCF-style: chr10-93793293-A-G. GRCh37 (hg19) VCF-style: chr10-95553050-A-G.
Other names: c.781A>G, p.Ile261Val (NM_001308275.2); c.637A>G, p.Ile213Val (NM_001308276.2); short protein forms I213V, I261V.
Identifiers: ClinVar variation 4891477 (VCV004891477.1).
Genomic context (GRCh38, chr10:93,793,293, plus strand): 5'-ACTTTTTCTTATTTGAATGATGAGTATGTAGTCATCGCTCAGCCTTTTACTGGAAAATGC[A>G]TTTTCCTTGAATGGGACCATGTGGAAAAGACCTTCCGGAATTATGACAACATTACAGGTA-3'
Protein context (NP_005088.1, residues 251-271): VIAQPFTGKC[Ile261Val]FLEWDHVEKT

ClinVar aggregate classification (germline): Uncertain significance (1 of 4 stars; one submission).

Submission:

GeneDx
Classification: Uncertain significance. Last evaluated: 2026-03-10. Review status: criteria provided, single submitter. Criteria: GeneDx Variant Classification Process June 2021. Collection method: clinical testing. Allele origin: germline.
Comment: Not observed at significant frequency in large population cohorts (gnomAD); In silico analysis indicates that this missense variant does not alter protein structure/function; Has not been previously published as pathogenic or benign to our knowledge